The following is an entry in ClinVar:

NM_000218.3(KCNQ1):c.1514+17154C>T

Genes: KCNQ1 (potassium voltage-gated channel subfamily Q member 1; plus strand), KCNQ1OT1 (KCNQ1 opposite strand/antisense transcript 1; minus strand). Cytogenetic location: 11p15.5.
Variant type: single nucleotide variant.
Coding change: c.1514+17154C>T on transcript NM_000218.3 (MANE Select); 17154 bases into the intron after coding-DNA position 1514, C replaced by T.
Molecular consequence: intron variant. On other transcripts: non-coding transcript variant (1).
Genome position (GRCh38, 1-based): chr11:2,679,235, C>T. VCF-style: chr11-2679235-C-T. GRCh37 (hg19) VCF-style: chr11-2700465-C-T.
Other names: c.1244+17154C>T (NM_001406837.1); c.1418+17154C>T (NM_001406836.1); c.974+17154C>T (NM_001406838.1); c.1133+17154C>T (NM_181798.2).
Identifiers: ClinVar variation 3250915 (VCV003250915.18), dbSNP rs112578947.

ClinVar aggregate classification (germline): Benign (1 of 4 stars; one submission).

Allele frequency attached by ClinVar (database versions not stated): gnomAD exomes 0.00018; gnomAD 0.00158; TOPMed 0.00167; 1000 Genomes Project 30x 0.00484; 1000 Genomes Project 0.00519.
gnomAD v4.1: 287 of 398,662 alleles (0.072%); highest among the groups gnomAD compares: African/African-American, 0.55%; no homozygotes.

Submission:

CeGaT Center for Human Genetics Tuebingen
Classification: Benign. Last evaluated: 2024-07-01. Review status: criteria provided, single submitter. Criteria: CeGaT Center For Human Genetics Tuebingen Variant Classification Criteria Version 2. Collection method: clinical testing. Allele origin: germline. Affected: yes. Observed: 1 variant allele.
Comment: KCNQ1OT1: BS1, BS2